The following is an entry in ClinVar:

NM_001358921.2(COQ2):c.-2C>G

Genes: COQ2 (coenzyme Q2, polyprenyltransferase; minus strand), LOC112997540 (Sharpr-MPRA regulatory region 13773; plus strand). Cytogenetic location: 4q21.23.
Variant type: single nucleotide variant.
Coding change: c.-2C>G on transcript NM_001358921.2 (MANE Select); 2 bases upstream of the start codon, C replaced by G.
Molecular consequence: 5 prime UTR variant. On other transcripts: missense variant (1).
Genome position (GRCh38, 1-based): chr4:83,284,766, G>C on the plus strand (C>G on the coding strand, the complement: COQ2 is on the minus strand). VCF-style: chr4-83284766-G-C. GRCh37 (hg19) VCF-style: chr4-84205919-G-C.
Other names: c.149C>G (NM_015697.8); c.149C>G, p.Ala50Gly (NM_015697.9); c.-2C>G (NM_001358921.1); short protein forms A50G.
Identifiers: ClinVar variation 1438750 (VCV001438750.7), dbSNP rs573669024, ClinGen allele CA319816.
Genomic context (GRCh38, chr4:83,284,766, plus strand): 5'-CACGCCAGTGCCACAGCCCGCAGGCCCCGCGCGAACCCCGCGGCTCGCGAGCCCAGCATG[G>C]CGCTGGTGAGGCCGGGACGAGCTCGGATTGACGTCATTCCCCGGCAGGCATGCGCAGTGG-3'

ClinVar aggregate classification (germline): Uncertain significance. Review status: criteria provided, multiple submitters, no conflicts (2 of 4 stars). 4 submissions from 4 submitters: Uncertain significance (4). Last evaluated 2025-03-12.

Conditions:
Multiple system atrophy 1, susceptibility to. Also called: MSA1, SUSCEPTIBILITY TO. Identifiers: MedGen C3714927, MONDO:0020715, OMIM 146500.
Coenzyme Q10 deficiency, primary, 1. Also called: UBIQUINONE DEFICIENCY 1; COENZYME Q DEFICIENCY 1; CoQ DEFICIENCY 1. Identifiers: Orphanet 255249, MedGen C3551954, MONDO:0011829, OMIM 607426.
COQ2-related disorder. Also called: COQ2-related condition.
Inborn genetic diseases. Identifiers: MedGen C0950123, MeSH D030342.

Allele frequency attached by ClinVar (database versions not stated): TOPMed 0.00057; 1000 Genomes Project 30x 0.00062.
gnomAD v4.1: 80 of 1,555,462 alleles (0.0051%); highest among the groups gnomAD compares: Admixed American, 0.11%; no homozygotes.

Submissions (4):

PreventionGenetics, part of Exact Sciences
Classification: Uncertain significance for COQ2-related condition. Last evaluated: 2025-03-12. Review status: criteria provided, single submitter. Criteria: ACMG Guidelines, 2015. Collection method: clinical testing. Allele origin: germline.
Comment: The COQ2 c.-2C>G variant is located in the 5' untranslated region. To our knowledge, this variant has not been reported in the literature. This variant is reported in 0.018% of alleles in individuals of Latino descent in gnomAD. At this time, the clinical significance of this variant is uncertain due to the absence of conclusive functional and genetic evidence.

Ambry Genetics
Classification: Uncertain significance for Inborn genetic diseases. Last evaluated: 2025-01-16. Review status: criteria provided, single submitter. Criteria: Ambry Variant Classification Scheme 2023. Collection method: clinical testing. Allele origin: germline.

Labcorp Genetics (formerly Invitae), Labcorp
Classification: Uncertain significance. Last evaluated: 2022-10-05. Review status: criteria provided, single submitter. Criteria: Invitae Variant Classification Sherloc (09022015). Collection method: clinical testing. Allele origin: germline.
Comment: This sequence change replaces alanine, which is neutral and non-polar, with glycine, which is neutral and non-polar, at codon 50 of the COQ2 protein (p.Ala50Gly). This variant is present in population databases (rs573669024, gnomAD 0.02%). This variant has not been reported in the literature in individuals affected with COQ2-related conditions. ClinVar contains an entry for this variant (Variation ID: 1438750). Algorithms developed to predict the effect of missense changes on protein structure and function (SIFT, PolyPhen-2, Align-GVGD) all suggest that this variant is likely to be tolerated. In summary, the available evidence is currently insufficient to determine the role of this variant in disease. Therefore, it has been classified as a Variant of Uncertain Significance.

Fulgent Genetics
Classification: Uncertain significance for Multiple system atrophy 1, susceptibility to; Coenzyme Q10 deficiency, primary, 1. Last evaluated: 2022-05-13. Review status: criteria provided, single submitter. Criteria: ACMG Guidelines, 2015. Collection method: clinical testing. Allele origin: unknown.